The following is an entry in ClinVar:

NM_182961.4(SYNE1):c.19169C>A (p.Thr6390Asn)

Gene: SYNE1 (spectrin repeat containing nuclear envelope protein 1; minus strand). Cytogenetic location: 6q25.2.
Variant type: single nucleotide variant.
Coding change: c.19169C>A on transcript NM_182961.4 (MANE Select); coding-DNA position 19169, C replaced by A.
Protein change: p.Thr6390Asn; replaces threonine 6390 with asparagine.
Molecular consequence: missense variant.
Genome position (GRCh38, 1-based): chr6:152,255,682, G>T on the plus strand (C>A on the coding strand, the complement: SYNE1 is on the minus strand). VCF-style: chr6-152255682-G-T. GRCh37 (hg19) VCF-style: chr6-152576817-G-T.
Other names: c.18956C>A, p.Thr6319Asn (NM_033071.5); short protein forms T6319N, T6390N.
Identifiers: ClinVar variation 451153 (VCV000451153.2), dbSNP rs1554285228, ClinGen allele CA366136995.

ClinVar aggregate classification (germline): Uncertain significance (1 of 4 stars; one submission).

Submission:

GeneDx
Classification: Uncertain significance. Last evaluated: 2017-08-09. Review status: criteria provided, single submitter. Criteria: GeneDx Variant Classification (06012015). Collection method: clinical testing. Allele origin: germline. Affected: yes.
Comment: The T6319N variant has not been published as a pathogenic variant, nor has it been reported as a benign variant to our knowledge. The T6319N variant is not observed in large population cohorts (Lek et al., 2016; 1000 Genomes Consortium et al., 2015; Exome Variant Server). This variant is a conservative amino acid substitution, which is not likely to impact secondary protein structure as these residues share similar properties. However, this substitution occurs at a position that is conserved across species, and in silico analysis predicts this variant is probably damaging to the protein structure/function.